The following is an entry in ClinVar:

NM_017654.4(SAMD9):c.3173T>C (p.Leu1058Ser)

Gene: SAMD9 (sterile alpha motif domain containing 9; minus strand). Cytogenetic location: 7q21.2.
Variant type: single nucleotide variant.
Coding change: c.3173T>C on transcript NM_017654.4 (MANE Select); coding-DNA position 3173, T replaced by C.
Protein change: p.Leu1058Ser; replaces leucine 1058 with serine.
Molecular consequence: missense variant.
Genome position (GRCh38, 1-based): chr7:93,102,925, A>G on the plus strand (T>C on the coding strand, the complement: SAMD9 is on the minus strand). VCF-style: chr7-93102925-A-G. GRCh37 (hg19) VCF-style: chr7-92732238-A-G.
Other names: c.3173T>C, p.Leu1058Ser (NM_001193307.2); short protein forms L1058S.
Identifiers: ClinVar variation 1450762 (VCV001450762.6), dbSNP rs2116415669, ClinGen allele CA368188620.

ClinVar aggregate classification (germline): Uncertain significance (1 of 4 stars; one submission).

Submission:

Labcorp Genetics (formerly Invitae), Labcorp
Classification: Uncertain significance. Last evaluated: 2021-09-05. Review status: criteria provided, single submitter. Criteria: Invitae Variant Classification Sherloc (09022015). Collection method: clinical testing. Allele origin: germline.
Comment: This sequence change replaces leucine with serine at codon 1058 of the SAMD9 protein (p.Leu1058Ser). The leucine residue is moderately conserved and there is a large physicochemical difference between leucine and serine. This variant is not present in population databases (ExAC no frequency). This variant has not been reported in the literature in individuals affected with SAMD9-related conditions. Algorithms developed to predict the effect of missense changes on protein structure and function are either unavailable or do not agree on the potential impact of this missense change (SIFT: "Deleterious"; PolyPhen-2: "Possibly Damaging"; Align-GVGD: "Class C0"). In summary, the available evidence is currently insufficient to determine the role of this variant in disease. Therefore, it has been classified as a Variant of Uncertain Significance.